The following is an entry in ClinVar:

NM_000142.5(FGFR3):c.2395C>T (p.Pro799Ser)

Gene: FGFR3 (fibroblast growth factor receptor 3; plus strand). Cytogenetic location: 4p16.3.
Variant type: single nucleotide variant.
Coding change: c.2395C>T on transcript NM_000142.5 (MANE Select); coding-DNA position 2395, C replaced by T.
Protein change: p.Pro799Ser; replaces proline 799 with serine.
Molecular consequence: missense variant. On other transcripts: non-coding transcript variant (1).
Genome position (GRCh38, 1-based): chr4:1,807,236, C>T. VCF-style: chr4-1807236-C-T. GRCh37 (hg19) VCF-style: chr4-1808963-C-T.
Other names: c.2401C>T, p.Pro801Ser (NM_001163213.2); c.2398C>T, p.Pro800Ser (NM_001354809.2); c.2327C>T, p.Thr776Ile (NM_001354810.2); c.2059C>T, p.Pro687Ser (NM_022965.4); short protein forms P800S, P801S, T776I, P687S, P799S.
Identifiers: ClinVar variation 2789682 (VCV002789682.3), dbSNP rs2108818475, ClinGen allele CA355987887.

ClinVar aggregate classification (germline): Uncertain significance (1 of 4 stars; one submission).

Submission:

Labcorp Genetics (formerly Invitae), Labcorp
Classification: Uncertain significance. Last evaluated: 2024-04-09. Review status: criteria provided, single submitter. Criteria: Invitae Variant Classification Sherloc (09022015). Collection method: clinical testing. Allele origin: germline.
Comment: This sequence change replaces proline, which is neutral and non-polar, with serine, which is neutral and polar, at codon 799 of the FGFR3 protein (p.Pro799Ser). This variant is not present in population databases (gnomAD no frequency). This variant has not been reported in the literature in individuals affected with FGFR3-related conditions. Advanced modeling of protein sequence and biophysical properties (such as structural, functional, and spatial information, amino acid conservation, physicochemical variation, residue mobility, and thermodynamic stability) performed at Invitae indicates that this missense variant is not expected to disrupt FGFR3 protein function with a negative predictive value of 95%. In summary, the available evidence is currently insufficient to determine the role of this variant in disease. Therefore, it has been classified as a Variant of Uncertain Significance.